The following is an entry in ClinVar:

ClinVar aggregate classification (germline): Conflicting classifications of pathogenicity. Review status: criteria provided, conflicting classifications (1 of 4 stars). 6 submissions from 6 submitters: Uncertain significance (2); Likely benign (4). Last evaluated 2026-01-27.

Conditions:
Inborn genetic diseases. Identifiers: MedGen C0950123, MeSH D030342.

Allele frequency attached by ClinVar (database versions not stated): gnomAD exomes 0.00053; ExAC 0.00062; 1000 Genomes Project 30x 0.00187; gnomAD 0.00187 and 0.00200; 1000 Genomes Project 0.00220; TOPMed 0.00250; ESP Exome Variant Server 0.00277.
gnomAD v4.1: 614 of 1,613,362 alleles (0.038%); highest among the groups gnomAD compares: African/African-American, 0.68%; 2 homozygotes.

Submissions (6):

Labcorp Genetics (formerly Invitae), Labcorp
Classification: Likely benign. Last evaluated: 2026-01-27. Review status: criteria provided, single submitter. Criteria: Invitae Variant Classification Sherloc (09022015). Collection method: clinical testing. Allele origin: germline.

Ambry Genetics
Classification: Likely benign for Inborn genetic diseases. Last evaluated: 2024-07-14. Review status: criteria provided, single submitter. Criteria: Ambry Variant Classification Scheme 2023. Collection method: clinical testing. Allele origin: germline.

Blueprint Genetics
Classification: Likely benign. Last evaluated: 2024-04-23. Review status: criteria provided, single submitter. Criteria: ACMG Guidelines, 2015. Collection method: clinical testing. Allele origin: germline.

CeGaT Center for Human Genetics Tuebingen
Classification: Likely benign. Last evaluated: 2023-04-01. Review status: criteria provided, single submitter. Criteria: CeGaT Center For Human Genetics Tuebingen Variant Classification Criteria Version 2. Collection method: clinical testing. Allele origin: germline. Affected: yes. Observed: 1 variant allele.
Comment: TUBGCP6: BP4, BS2

Center for Pediatric Genomic Medicine, Children's Mercy Hospital and Clinics
Classification: Uncertain significance. Last evaluated: 2016-09-13. Review status: criteria provided, single submitter. Criteria: ACMG Guidelines, 2015. Collection method: clinical testing. Allele origin: germline.
ClinVar note: Converted during submission from Uncertain Significance to Uncertain significance.

Genetic Services Laboratory, University of Chicago
Classification: Uncertain significance. Last evaluated: 2014-12-11. Review status: criteria provided, single submitter. Criteria: ACMG Guidelines, 2015. Collection method: clinical testing. Allele origin: germline.

NM_020461.4(TUBGCP6):c.89G>A (p.Arg30Gln)

Gene: TUBGCP6 (tubulin gamma complex component 6; minus strand). Cytogenetic location: 22q13.33.
Variant type: single nucleotide variant.
Coding change: c.89G>A on transcript NM_020461.4 (MANE Select); coding-DNA position 89, G replaced by A.
Protein change: p.Arg30Gln; replaces arginine 30 with glutamine.
Molecular consequence: missense variant.
Genome position (GRCh38, 1-based): chr22:50,244,371, C>T on the plus strand (G>A on the coding strand, the complement: TUBGCP6 is on the minus strand). VCF-style: chr22-50244371-C-T. GRCh37 (hg19) VCF-style: chr22-50682800-C-T.
Other names: short protein forms R30Q.
Identifiers: ClinVar variation 212518 (VCV000212518.45), dbSNP rs148626062, ClinGen allele CA209090.